The following is an entry in ClinVar:

NM_003070.5(SMARCA2):c.4638C>G (p.Asp1546Glu)

Gene: SMARCA2 (SWI/SNF related BAF chromatin remodeling complex subunit ATPase 2; plus strand). Cytogenetic location: 9p24.3.
Variant type: single nucleotide variant.
Coding change: c.4638C>G on transcript NM_003070.5 (MANE Select); coding-DNA position 4638, C replaced by G.
Protein change: p.Asp1546Glu; replaces aspartic acid 1546 with glutamic acid.
Molecular consequence: missense variant.
Genome position (GRCh38, 1-based): chr9:2,191,309, C>G. VCF-style: chr9-2191309-C-G. GRCh37 (hg19) VCF-style: chr9-2191309-C-G.
Other names: c.4638C>G, p.Asp1546Glu (NM_001289396.2); c.4410C>G, p.Asp1470Glu (NM_001289397.2); c.612C>G, p.Asp204Glu (NM_001289398.2); c.696C>G, p.Asp232Glu (NM_001289399.2); c.702C>G, p.Asp234Glu (NM_001289400.2); c.4584C>G, p.Asp1528Glu (NM_139045.4); short protein forms D1546E, D1470E, D204E, D1528E, D232E, D234E.
Identifiers: ClinVar variation 126349 (VCV000126349.26), dbSNP rs2296212, ClinGen allele CA151093.
Genomic context (GRCh38, chr9:2,191,309, plus strand): 5'-ATTTGCTTTGGTTTTAGCAAAATCAGTCAAGGTGAAAATTAAGCTCAATAAAAAAGATGA[C>G]AAAGGCCGGGACAAAGGGAAAGGCAAGAAAAGGCCAAATCGAGGAAAAGCCAAACCTGTA-3'
Protein context (NP_003061.3, residues 1536-1556): KVKIKLNKKD[Asp1546Glu]KGRDKGKGKK

ClinVar aggregate classification (germline): Benign. Review status: criteria provided, multiple submitters, no conflicts (2 of 4 stars). 8 submissions from 8 submitters: Benign (7). 1 of the submissions does not count toward it. Last evaluated 2026-02-03.

Conditions:
Nicolaides-Baraitser syndrome (NCBRS). Also called: SMARCA2-Related Nicolaides-Baraitser Syndrome; Intellectual disability-sparse hair-brachydactyly syndrome. Identifiers: Orphanet 3051, MedGen C1303073, MONDO:0011053, OMIM 601358.
Blepharophimosis-impaired intellectual development syndrome. Identifiers: Orphanet 637013, MedGen C5443984, MONDO:0859139, OMIM 619293.
Inborn genetic diseases. Identifiers: MedGen C0950123, MeSH D030342.

Allele frequency attached by ClinVar (database versions not stated): TOPMed 0.18124; gnomAD exomes 0.16888 and 0.13379; ExAC 0.16837; gnomAD 0.17040 and 0.17324; 1000 Genomes Project 30x 0.22283; ESP Exome Variant Server 0.16523; 1000 Genomes Project 0.22364.
gnomAD v4.1: 222,588 of 1,613,644 alleles (14%); highest among the groups gnomAD compares: African/African-American, 27%; 17,786 homozygotes.

Submissions (8):

Labcorp Genetics (formerly Invitae), Labcorp
Classification: Benign. Last evaluated: 2026-02-03. Review status: criteria provided, single submitter. Criteria: Invitae Variant Classification Sherloc (09022015). Collection method: clinical testing. Allele origin: germline.

Mayo Clinic Laboratories, Mayo Clinic
Classification: Benign. Last evaluated: 2022-07-29. Review status: criteria provided, single submitter. Criteria: ACMG Guidelines, 2015. Collection method: clinical testing. Allele origin: germline. Observed: 76 variant alleles.
Comment: BA1, BP4

Fulgent Genetics
Classification: Benign for Nicolaides-Baraitser syndrome; Blepharophimosis-impaired intellectual development syndrome. Last evaluated: 2021-12-06. Review status: criteria provided, single submitter. Criteria: ACMG Guidelines, 2015. Collection method: clinical testing. Allele origin: unknown.

GeneDx
Classification: Benign. Last evaluated: 2018-07-03. Review status: criteria provided, single submitter. Criteria: GeneDx Variant Classification Process June 2021. Collection method: clinical testing. Allele origin: germline. Affected: yes.
Comment: This variant is associated with the following publications: (PMID: 19363039)

Illumina Laboratory Services, Illumina
Classification: Benign for Nicolaides-Baraitser syndrome. Last evaluated: 2018-03-06. Review status: criteria provided, single submitter. Criteria: ICSL Variant Classification Criteria 13 December 2019. Collection method: clinical testing. Allele origin: germline.
Comment: This variant was observed in the ICSL laboratory as part of a predisposition screen in an ostensibly healthy population. It had not been previously curated by ICSL or reported in the Human Gene Mutation Database (HGMD: prior to June 1st, 2018), and was therefore a candidate for classification through an automated scoring system. Utilizing variant allele frequency, disease prevalence and penetrance estimates, and inheritance mode, an automated score was calculated to assess if this variant is too frequent to cause the disease. Based on the score and internal cut-off values, a variant classified as benign is not then subjected to further curation. The score for this variant resulted in a classification of benign for this disease.

Ambry Genetics
Classification: Benign for Inborn genetic diseases. Last evaluated: 2016-03-16. Review status: criteria provided, single submitter. Criteria: Ambry Variant Classification Scheme 2023. Collection method: clinical testing. Allele origin: germline.

Breakthrough Genomics
Classification: Benign. Review status: criteria provided, single submitter. Criteria: ACMG Guidelines, 2015. Collection method: not provided. Allele origin: germline. Inheritance: Autosomal dominant inheritance. Affected: yes.

Genetic Services Laboratory, University of Chicago
Classification: Likely benign for AllHighlyPenetrant. Review status: no assertion criteria provided. Collection method: clinical testing. Allele origin: germline. Inheritance: Autosomal dominant inheritance. Observed: 20 variant alleles. Not counted in ClinVar's aggregate classification.
Comment: Likely benign based on allele frequency in 1000 Genomes Project or ESP global frequency and its presence in a patient with a rare or unrelated disease phenotype. NOT Sanger confirmed.